The following is an entry in ClinVar:

ClinVar aggregate classification (germline): Benign/Likely benign. Review status: criteria provided, multiple submitters, no conflicts (2 of 4 stars). 3 submissions from 3 submitters: Benign (1); Likely benign (2). Last evaluated 2025-10-07.

Conditions:
Hereditary cancer-predisposing syndrome. Also called: Neoplastic Syndromes, Hereditary; Tumor predisposition; Hereditary Cancer Syndrome; Hereditary neoplastic syndrome. Identifiers: Orphanet 140162, MedGen C0027672, MeSH D009386, MONDO:0015356.
Breast-ovarian cancer, familial, susceptibility to, 4. Identifiers: Orphanet 145, MedGen C3280345, MONDO:0013669, OMIM 614291.

Submissions (3):

Labcorp Genetics (formerly Invitae), Labcorp
Classification: Likely benign for Breast-ovarian cancer, familial, susceptibility to, 4. Last evaluated: 2025-10-07. Review status: criteria provided, single submitter. Criteria: Invitae Variant Classification Sherloc (09022015). Collection method: clinical testing. Allele origin: germline.

Myriad Genetics, Inc.
Classification: Benign for Breast-ovarian cancer, familial, susceptibility to, 4. Last evaluated: 2025-02-24. Review status: criteria provided, single submitter. Criteria: Myriad Autosomal Dominant, Autosomal Recessive and X-Linked Classification Criteria (2023). Collection method: clinical testing. Allele origin: unknown.
Comment: This variant is considered benign. This variant is a silent/synonymous amino acid change and it is not expected to impact splicing.

Ambry Genetics
Classification: Likely benign for Hereditary cancer-predisposing syndrome. Last evaluated: 2021-02-20. Review status: criteria provided, single submitter. Criteria: Ambry Variant Classification Scheme 2023. Collection method: clinical testing. Allele origin: germline.

NM_002878.4(RAD51D):c.615G>A (p.Val205=)

Genes: RAD51L3-RFFL (RAD51L3-RFFL readthrough; minus strand), RAD51D (RAD51 paralog D; minus strand). Cytogenetic location: 17q12.
Variant type: single nucleotide variant.
Coding change: c.615G>A on transcript NM_002878.4 (MANE Select); coding-DNA position 615, G replaced by A.
Protein change: p.Val205=; no amino-acid change (valine 205 retained).
Molecular consequence: synonymous variant. On other transcripts: non-coding transcript variant (3).
Genome position (GRCh38, 1-based): chr17:35,103,506, C>T on the plus strand (G>A on the coding strand, the complement: RAD51D is on the minus strand). VCF-style: chr17-35103506-C-T. GRCh37 (hg19) VCF-style: chr17-33430525-C-T.
Other names: c.675G>A, p.Val225= (NM_001142571.2); c.279G>A, p.Val93= (NM_133629.3).
Identifiers: ClinVar variation 472616 (VCV000472616.11), dbSNP rs1555567620, ClinGen allele CA499730627.
Genomic context (GRCh38, chr17:35,103,506, plus strand): 5'-TCACTCACCTTCCCTCTGCTGACCTCCCAGAAGTGGGGAAACCACCGCAGTGACCGAGTC[C>T]ACAACCACCACCTTCACAGTTCCTGAAGAACCAGTCACCTGAAGGAATGTGGGGGAAGCA-3'
Protein context (NP_002869.3, residues 195-215): GSSGTVKVVV[Val205=]DSVTAVVSPL